The following is an entry in ClinVar:

NM_002519.3(NPAT):c.3638C>T (p.Thr1213Ile)

Gene: NPAT (nuclear protein, coactivator of histone transcription; minus strand). Cytogenetic location: 11q22.3.
Variant type: single nucleotide variant.
Coding change: c.3638C>T on transcript NM_002519.3 (MANE Select); coding-DNA position 3638, C replaced by T.
Protein change: p.Thr1213Ile; replaces threonine 1213 with isoleucine.
Molecular consequence: missense variant.
Genome position (GRCh38, 1-based): chr11:108,161,448, G>A on the plus strand (C>T on the coding strand, the complement: NPAT is on the minus strand). VCF-style: chr11-108161448-G-A. GRCh37 (hg19) VCF-style: chr11-108032175-G-A.
Other names: c.3659C>T, p.Thr1220Ile (NM_001321307.1); short protein forms T1213I, T1220I.
Identifiers: ClinVar variation 1733462 (VCV001733462.2), dbSNP rs2496695258, ClinGen allele CA382510366.

ClinVar aggregate classification (germline): Uncertain significance (1 of 4 stars; one submission).

Submission:

Ambry Genetics
Classification: Uncertain significance. Last evaluated: 2022-01-11. Review status: criteria provided, single submitter. Criteria: Ambry Variant Classification Scheme 2023. Collection method: clinical testing. Allele origin: germline.
Comment: The p.T1213I variant (also known as c.3638C>T), located in coding exon 17 of the NPAT gene, results from a C to T substitution at nucleotide position 3638. The threonine at codon 1213 is replaced by isoleucine, an amino acid with similar properties. This amino acid position is conserved. In addition, this alteration is predicted to be tolerated by in silico analysis. Since supporting evidence is limited at this time, the clinical significance of this alteration remains unclear.